The following is an entry in ClinVar:

NM_000135.4(FANCA):c.46G>C (p.Gly16Arg)

Genes: FANCA (FA complementation group A; minus strand), LOC112486223 (Sharpr-MPRA regulatory region 3988; plus strand). Cytogenetic location: 16q24.3.
Variant type: single nucleotide variant.
Coding change: c.46G>C on transcript NM_000135.4 (MANE Select); coding-DNA position 46, G replaced by C.
Protein change: p.Gly16Arg; replaces glycine 16 with arginine.
Molecular consequence: missense variant.
Genome position (GRCh38, 1-based): chr16:89,816,570, C>G on the plus strand (G>C on the coding strand, the complement: FANCA is on the minus strand). VCF-style: chr16-89816570-C-G. GRCh37 (hg19) VCF-style: chr16-89882978-C-G.
Other names: c.46G>C (LRG_495t1); c.46G>C, p.Gly16Arg (NM_001018112.3, NM_001286167.3, NM_001351830.2); short protein forms G16R.
Identifiers: ClinVar variation 408172 (VCV000408172.15), dbSNP rs943773590, ClinGen allele CA16615039.
Genomic context (GRCh38, chr16:89,816,570, plus strand): 5'-CTCCCGCGGCCTGCCGCGCCCACCTACCCAGCAGCTCGGCCCAGGCCCTCCGGCGGCCCC[C>G]TGGGTCCTGGCCCGAGGCGGAGTTCGGGACCCACGAGTCGGACATGGCCTTGGCGCCTAC-3'
Protein context (NP_000126.2, residues 6-26): VPNSASGQDP[Gly16Arg]GRRRAWAELL

ClinVar aggregate classification (germline): Uncertain significance. Review status: criteria provided, multiple submitters, no conflicts (2 of 4 stars). 3 submissions from 3 submitters: Uncertain significance (2). 1 of the submissions does not count toward it. Last evaluated 2025-12-07.

Conditions:
Fanconi anemia (FA). Also called: Fanconi's anemia. Identifiers: Orphanet 84, MedGen C0015625, MeSH D005199, MONDO:0019391.
Fanconi anemia complementation group A (FANCA). Also called: FANCA-Related Fanconi Anemia; Fanconi anemia, group A. Identifiers: Orphanet 84, MedGen C3469521, MONDO:0009215, OMIM 227650.

Allele frequency attached by ClinVar (database versions not stated): gnomAD 0.00003 and 0.00004; TOPMed 0.00003.
gnomAD v4.1: 19 of 1,516,772 alleles (0.0013%); highest among the groups gnomAD compares: Non-Finnish European, 0.0015%; no homozygotes.

Submissions (3):

Labcorp Genetics (formerly Invitae), Labcorp
Classification: Uncertain significance for Fanconi anemia. Last evaluated: 2025-12-07. Review status: criteria provided, single submitter. Criteria: Invitae Variant Classification Sherloc (09022015). Collection method: clinical testing. Allele origin: germline.
Comment: This sequence change replaces glycine, which is neutral and non-polar, with arginine, which is basic and polar, at codon 16 of the FANCA protein (p.Gly16Arg). This variant is present in population databases (no rsID available, gnomAD 0.003%). This variant has not been reported in the literature in individuals affected with FANCA-related conditions. ClinVar contains an entry for this variant (Variation ID: 408172). Invitae Evidence Modeling of protein sequence and biophysical properties (such as structural, functional, and spatial information, amino acid conservation, physicochemical variation, residue mobility, and thermodynamic stability) indicates that this missense variant is not expected to disrupt FANCA protein function with a negative predictive value of 95%. In summary, the available evidence is currently insufficient to determine the role of this variant in disease. Therefore, it has been classified as a Variant of Uncertain Significance.

Fulgent Genetics
Classification: Uncertain significance for Fanconi anemia complementation group A. Last evaluated: 2021-07-26. Review status: criteria provided, single submitter. Criteria: ACMG Guidelines, 2015. Collection method: clinical testing. Allele origin: unknown.

Natera, Inc.
Classification: Uncertain significance for Fanconi anemia. Last evaluated: 2021-01-08. Review status: no assertion criteria provided. Collection method: clinical testing. Allele origin: germline. Not counted in ClinVar's aggregate classification.